The following is an entry in ClinVar:

NM_001033046.4(CYBC1):c.98T>C (p.Ile33Thr)

Gene: CYBC1 (cytochrome b-245 chaperone 1; minus strand). Cytogenetic location: 17q25.3.
Variant type: single nucleotide variant.
Coding change: c.98T>C on transcript NM_001033046.4 (MANE Select); coding-DNA position 98, T replaced by C.
Protein change: p.Ile33Thr; replaces isoleucine 33 with threonine.
Molecular consequence: missense variant. On other transcripts: non-coding transcript variant (2), intron variant (1).
Genome position (GRCh38, 1-based): chr17:82,447,609, A>G on the plus strand (T>C on the coding strand, the complement: CYBC1 is on the minus strand). VCF-style: chr17-82447609-A-G. GRCh37 (hg19) VCF-style: chr17-80405485-A-G.
Other names: c.98T>C, p.Ile33Thr (NM_001100407.3, NM_001193653.2, NM_001193654.2 and 2 more transcripts); c.86-913T>C (NM_001100408.3); short protein forms I33T.
Identifiers: ClinVar variation 4775080 (VCV004775080.1).

ClinVar aggregate classification (germline): Uncertain significance (1 of 4 stars; one submission).

Submission:

Labcorp Genetics (formerly Invitae), Labcorp
Classification: Uncertain significance. Last evaluated: 2025-10-21. Review status: criteria provided, single submitter. Criteria: Invitae Variant Classification Sherloc (09022015). Collection method: clinical testing. Allele origin: germline.
Comment: This sequence change replaces isoleucine, which is neutral and non-polar, with threonine, which is neutral and polar, at codon 33 of the C17orf62 protein (p.Ile33Thr). This variant is present in population databases (no rsID available, gnomAD 0.004%). This variant has not been reported in the literature in individuals affected with C17orf62-related conditions. An algorithm developed to predict the effect of missense changes on protein structure and function outputs the following: PolyPhen-2: "Benign". The threonine amino acid residue is found in multiple mammalian species, which suggests that this missense change does not adversely affect protein function. In summary, the available evidence is currently insufficient to determine the role of this variant in disease. Therefore, it has been classified as a Variant of Uncertain Significance.